The following is an entry in ClinVar:

NM_015310.4(PSD3):c.2866A>G (p.Lys956Glu)

Gene: PSD3 (pleckstrin and Sec7 domain containing 3; minus strand). Cytogenetic location: 8p22.
Variant type: single nucleotide variant.
Coding change: c.2866A>G on transcript NM_015310.4 (MANE Select); coding-DNA position 2866, A replaced by G.
Protein change: p.Lys956Glu; replaces lysine 956 with glutamic acid.
Molecular consequence: missense variant.
Genome position (GRCh38, 1-based): chr8:18,556,271, T>C on the plus strand (A>G on the coding strand, the complement: PSD3 is on the minus strand). VCF-style: chr8-18556271-T-C. GRCh37 (hg19) VCF-style: chr8-18413781-T-C.
Other names: c.2767A>G, p.Lys923Glu (NM_001362819.2); c.3169A>G, p.Lys1057Glu (NM_001412865.1); c.3250A>G, p.Lys1084Glu (NM_001412866.1); c.2866A>G, p.Lys956Glu (NM_001412870.1); c.2764A>G, p.Lys922Glu (NM_001412871.1, NM_001412880.1); c.2674A>G, p.Lys892Glu (NM_001412872.1); c.2776A>G, p.Lys926Glu (NM_001412873.1); c.2671A>G, p.Lys891Glu (NM_001412874.1, NM_001412882.1, NM_001412883.1); and 8 more; short protein forms K891E, K922E, K272E, K285E, K420E, K422E, K926E, K956E.
Identifiers: ClinVar variation 4999811 (VCV004999811.1).

ClinVar aggregate classification (germline): Uncertain significance (1 of 4 stars; one submission).

Conditions:
PSD3-related disorder. Also called: PSD3-related condition.

Submission:

PreventionGenetics, part of Exact Sciences
Classification: Uncertain significance for PSD3-related condition. Last evaluated: 2025-01-10. Review status: criteria provided, single submitter. Criteria: ACMG Guidelines, 2015. Collection method: clinical testing. Allele origin: germline.
Comment: The PSD3 c.2866A>G variant is predicted to result in the amino acid substitution p.Lys956Glu. To our knowledge, this variant has not been reported in the literature or in a large population database (gnomAD), indicating this variant is rare. At this time, the clinical significance of this variant is uncertain due to the absence of conclusive functional and genetic evidence.